The following is an entry in ClinVar:

ClinVar aggregate classification (germline): Pathogenic (1 of 4 stars; one submission).

Conditions:
Aicardi-Goutieres syndrome 2. Identifiers: Orphanet 51, MedGen C3489724, MONDO:0012429, OMIM 610181.

Submission:

Labcorp Genetics (formerly Invitae), Labcorp
Classification: Pathogenic for Aicardi-Goutieres syndrome 2. Last evaluated: 2021-06-06. Review status: criteria provided, single submitter. Criteria: Invitae Variant Classification Sherloc (09022015). Collection method: clinical testing. Allele origin: germline.
Comment: This sequence change creates a premature translational stop signal (p.Cys44Leufs*19) in the RNASEH2B gene. It is expected to result in an absent or disrupted protein product. Loss-of-function variants in RNASEH2B are known to be pathogenic (PMID: 17846997). This variant is not present in population databases (ExAC no frequency). This variant has not been reported in the literature in individuals with RNASEH2B-related conditions. For these reasons, this variant has been classified as Pathogenic.

Literature cited by the submitters: PubMed 17846997.

NM_024570.4(RNASEH2B):c.129dup (p.Cys44fs)

Gene: RNASEH2B (ribonuclease H2 subunit B; plus strand). Cytogenetic location: 13q14.3.
Variant type: Duplication.
Coding change: c.129dup on transcript NM_024570.4 (MANE Select); coding-DNA position 129, one base duplicated (C; older notation c.129dupC).
Protein change: p.Cys44fs; shifts the reading frame from cysteine 44.
Molecular consequence: frameshift variant.
Genome position (GRCh38, 1-based): chr13:50,927,471, C duplicated; the last of 4 consecutive C bases (chr13:50,927,468-50,927,471); duplicating any one gives the same sequence. VCF-style (leftmost placement, unchanged base first): chr13-50927467-A-AC. GRCh37 (hg19) VCF-style: chr13-51501603-A-AC.
Other names: c.129dup, p.Cys44fs (NM_001142279.2); short protein forms C44fs.
Identifiers: ClinVar variation 1353481 (VCV001353481.1), dbSNP rs2137925083, ClinGen allele CA2573149646.